The following is an entry in ClinVar:

NM_000088.4(COL1A1):c.904-9G>A

Genes: COL1A1 (collagen type I alpha 1 chain; minus strand), LOC126862586 (CDK7 strongly-dependent group 2 enhancer GRCh37_chr17:48273702-48274901; plus strand). Cytogenetic location: 17q21.33.
Variant type: single nucleotide variant.
Coding change: c.904-9G>A on transcript NM_000088.4 (MANE Select); 9 bases into the intron before coding-DNA position 904, G replaced by A.
Molecular consequence: intron variant.
Genome position (GRCh38, 1-based): chr17:50,196,376, C>T on the plus strand (G>A on the coding strand, the complement: COL1A1 is on the minus strand). VCF-style: chr17-50196376-C-T. GRCh37 (hg19) VCF-style: chr17-48273737-C-T.
Other names: c.904-9G>A (NM_000088.3).
Identifiers: ClinVar variation 1431141 (VCV001431141.10), dbSNP rs141726413, ClinGen allele CA2573154219.

ClinVar aggregate classification (germline): Pathogenic/Likely pathogenic. Review status: criteria provided, multiple submitters, no conflicts (2 of 4 stars). 3 submissions from 3 submitters: Pathogenic (1); Likely pathogenic (2). Last evaluated 2024-09-10.

Conditions:
Osteogenesis imperfecta type I (OI1). Also called: Classic Non-deforming Osteogenesis Imperfecta with Blue Sclerae; Lobstein's Disease; Lobstein disease; OI, TYPE I; OSTEOGENESIS IMPERFECTA TARDA; OSTEOGENESIS IMPERFECTA WITH BLUE SCLERAE. Identifiers: Orphanet 216796, Orphanet 666, MedGen C0023931, MONDO:0008146, OMIM 166200. Disease mechanism: loss of function.

gnomAD v4.1: 1 of 1,613,890 alleles (0.000062%); highest among the groups gnomAD compares: Non-Finnish European, 0.000085%; no homozygotes.

Submissions (3):

Labcorp Genetics (formerly Invitae), Labcorp
Classification: Pathogenic for Osteogenesis imperfecta type I. Last evaluated: 2024-09-10. Review status: criteria provided, single submitter. Criteria: Invitae Variant Classification Sherloc (09022015). Collection method: clinical testing. Allele origin: germline.
Comment: This sequence change falls in intron 13 of the COL1A1 gene. It does not directly change the encoded amino acid sequence of the COL1A1 protein. This variant is not present in population databases (gnomAD no frequency). This variant has been observed in individual(s) with osteogenesis imperfecta type I (PMID: 27509835, 31447884). In at least one individual the variant was observed to be de novo. ClinVar contains an entry for this variant (Variation ID: 1431141). Algorithms developed to predict the effect of sequence changes on RNA splicing suggest that this variant may disrupt the consensus splice site. For these reasons, this variant has been classified as Pathogenic.

GeneDx
Classification: Likely pathogenic. Last evaluated: 2024-03-25. Review status: criteria provided, single submitter. Criteria: GeneDx Variant Classification Process June 2021. Collection method: clinical testing. Allele origin: germline. Affected: yes.
Comment: Not observed at significant frequency in large population cohorts (gnomAD); In silico analysis supports a deleterious effect on splicing; This variant is associated with the following publications: (PMID: 32166892, 27509835, 28810924, 31447884)

Revvity Omics, Revvity
Classification: Likely pathogenic. Last evaluated: 2023-12-07. Review status: criteria provided, single submitter. Criteria: ACMG Guidelines, 2015. Collection method: clinical testing. Allele origin: germline.

Literature cited by the submitters: PubMed 27509835 (cited by Labcorp Genetics (formerly Invitae), Labcorp); PubMed 31447884 (cited by Labcorp Genetics (formerly Invitae), Labcorp).